The following is an entry in ClinVar:

NM_014391.3(ANKRD1):c.102A>G (p.Glu34=)

Gene: ANKRD1 (ankyrin repeat domain 1; minus strand). Cytogenetic location: 10q23.31.
Variant type: single nucleotide variant.
Coding change: c.102A>G on transcript NM_014391.3 (MANE Select); coding-DNA position 102, A replaced by G.
Protein change: p.Glu34=; no amino-acid change (glutamic acid 34 retained).
Molecular consequence: synonymous variant.
Genome position (GRCh38, 1-based): chr10:90,920,274, T>C on the plus strand (A>G on the coding strand, the complement: ANKRD1 is on the minus strand). VCF-style: chr10-90920274-T-C. GRCh37 (hg19) VCF-style: chr10-92680031-T-C.
Identifiers: ClinVar variation 390938 (VCV000390938.6), dbSNP rs763803536, ClinGen allele CA5598843.

ClinVar aggregate classification (germline): Likely benign. Review status: criteria provided, multiple submitters, no conflicts (2 of 4 stars). 3 submissions from 3 submitters: Likely benign (3). Last evaluated 2025-08-31.

Conditions:
Cardiovascular phenotype. Identifiers: MedGen CN230736.
ANKRD1-related dilated cardiomyopathy. Identifiers: MedGen CN119551.

Allele frequency attached by ClinVar (database versions not stated): gnomAD exomes 0.00001 and 0.00003; ExAC 0.00002; TOPMed 0.00002.

Submissions (3):

Ambry Genetics
Classification: Likely benign for Cardiovascular phenotype. Last evaluated: 2025-08-31. Review status: criteria provided, single submitter. Criteria: Ambry Variant Classification Scheme 2023. Collection method: clinical testing. Allele origin: germline.

Labcorp Genetics (formerly Invitae), Labcorp
Classification: Likely benign for ANKRD1-related dilated cardiomyopathy. Last evaluated: 2023-05-22. Review status: criteria provided, single submitter. Criteria: Invitae Variant Classification Sherloc (09022015). Collection method: clinical testing. Allele origin: germline.

GeneDx
Classification: Likely benign. Last evaluated: 2017-06-05. Review status: criteria provided, single submitter. Criteria: GeneDx Variant Classification (06012015). Collection method: clinical testing. Allele origin: germline. Affected: yes.
Comment: This variant is considered likely benign or benign based on one or more of the following criteria: it is a conservative change, it occurs at a poorly conserved position in the protein, it is predicted to be benign by multiple in silico algorithms, and/or has population frequency not consistent with disease.